The following is an entry in ClinVar:

ClinVar aggregate classification (germline): Benign. Review status: criteria provided, multiple submitters, no conflicts (2 of 4 stars). 5 submissions from 5 submitters: Benign (5). Last evaluated 2026-02-04.

Conditions:
Developmental and epileptic encephalopathy, 77. Also called: GLYCOSYLPHOSPHATIDYLINOSITOL BIOSYNTHESIS DEFECT 19; MULTIPLE CONGENITAL ANOMALIES-HYPOTONIA-SEIZURES SYNDROME 4; EPILEPTIC ENCEPHALOPATHY, EARLY INFANTILE, 77. Identifiers: MedGen C5231405, MONDO:0032808, OMIM 618548.
Epilepsy. Also called: Seizure disorder. Identifiers: MedGen C0014544, MeSH D004827, MONDO:0005027.

Allele frequency attached by ClinVar (database versions not stated): ESP Exome Variant Server 0.41319; gnomAD exomes 0.43533 and 0.46705; gnomAD 0.44933 and 0.45806; TOPMed 0.44942; ExAC 0.51401; 1000 Genomes Project 0.52177; 1000 Genomes Project 30x 0.52436.

Submissions (5):

Labcorp Genetics (formerly Invitae), Labcorp
Classification: Benign for Epilepsy. Last evaluated: 2026-02-04. Review status: criteria provided, single submitter. Criteria: Invitae Variant Classification Sherloc (09022015). Collection method: clinical testing. Allele origin: germline.

Blueprint Genetics
Classification: Benign. Last evaluated: 2024-11-27. Review status: criteria provided, single submitter. Criteria: ACMG Guidelines, 2015. Collection method: clinical testing. Allele origin: germline.

Unidad de Genómica Garrahan, Hospital de Pediatría Garrahan
Classification: Benign. Last evaluated: 2024-07-15. Review status: criteria provided, single submitter. Criteria: ACMG Guidelines, 2015. Collection method: clinical testing. Allele origin: germline. Affected: no. Observed: 48 variant alleles.
Comment: This variant is classified as Benign based on local population frequency. This variant was detected in 52% of patients studied in a panel designed for Epileptic and Developmental Encephalopathy and Progressive Myoclonus Epilepsy. Number of patients: 48. Only high quality variants are reported.

Genome-Nilou Lab
Classification: Benign for Developmental and epileptic encephalopathy, 77. Last evaluated: 2021-07-14. Review status: criteria provided, single submitter. Criteria: ACMG Guidelines, 2015. Collection method: clinical testing. Allele origin: germline. Affected: no.

GeneDx
Classification: Benign. Last evaluated: 2021-05-14. Review status: criteria provided, single submitter. Criteria: GeneDx Variant Classification Process June 2021. Collection method: clinical testing. Allele origin: germline. Affected: yes.

NM_004204.5(PIGQ):c.1532-17del

Gene: PIGQ (phosphatidylinositol glycan anchor biosynthesis class Q; plus strand). Cytogenetic location: 16p13.3.
Variant type: Deletion.
Coding change: c.1532-17del on transcript NM_004204.5 (MANE Select); 17 bases into the intron before coding-DNA position 1532, one base deleted (G; older notation c.1532-17delG).
Molecular consequence: intron variant.
Genome position (GRCh38, 1-based): chr16:582,231, G deleted. VCF-style (leftmost placement, unchanged base first): chr16-582230-CG-C. GRCh37 (hg19) VCF-style: chr16-632230-CG-C.
Other names: c.1532-652del (NM_148920.4).
Identifiers: ClinVar variation 1164856 (VCV001164856.16), dbSNP rs67976359, ClinGen allele CA7780423.